The following is an entry in ClinVar:

NM_000321.3(RB1):c.175G>A (p.Ala59Thr)

Gene: RB1 (RB transcriptional corepressor 1; plus strand). Cytogenetic location: 13q14.2.
Variant type: single nucleotide variant.
Coding change: c.175G>A on transcript NM_000321.3 (MANE Select); coding-DNA position 175, G replaced by A.
Protein change: p.Ala59Thr; replaces alanine 59 with threonine.
Molecular consequence: missense variant.
Genome position (GRCh38, 1-based): chr13:48,307,317, G>A. VCF-style: chr13-48307317-G-A. GRCh37 (hg19) VCF-style: chr13-48881453-G-A.
Other names: c.175G>A, p.Ala59Thr (NM_001407165.1, NM_001407166.1, NM_001407167.1); short protein forms A59T.
Identifiers: ClinVar variation 2123747 (VCV002123747.3), dbSNP rs184754468, ClinGen allele CA388250503.

ClinVar aggregate classification (germline): Uncertain significance. Review status: criteria provided, multiple submitters, no conflicts (2 of 4 stars). 2 submissions from 2 submitters: Uncertain significance (2). Last evaluated 2023-08-28.

Conditions:
Retinoblastoma (RB1). Also called: RETINOBLASTOMA, SOMATIC. Identifiers: Orphanet 790, MedGen C0035335, MeSH D012175, MONDO:0008380, OMIM 180200, HP:0009919. Disease mechanism: loss of function. Inheritance: Both sporadic and heritable forms are tested..

gnomAD v4.1: 1 of 1,609,810 alleles (0.000062%); highest among the groups gnomAD compares: Non-Finnish European, 0.000085%; no homozygotes.

Submissions (2):

All of Us Research Program, National Institutes of Health
Classification: Uncertain significance for Retinoblastoma. Last evaluated: 2023-08-28. Review status: criteria provided, single submitter. Criteria: ACMG Guidelines, 2015. Collection method: clinical testing. Allele origin: germline. Inheritance: Autosomal dominant inheritance. Observed: 1 variant allele, 1 heterozygote.
Comment: This missense variant replaces alanine with threonine at codon 59 of the RB1 protein. Computational prediction suggests that this variant may not impact protein structure and function (internally defined REVEL score threshold <= 0.5, PMID: 27666373). To our knowledge, functional studies have not been reported for this variant. This variant has not been reported in individuals affected with RB1-related disorders in the literature. This variant has not been identified in the general population by the Genome Aggregation Database (gnomAD). The available evidence is insufficient to determine the role of this variant in disease conclusively. Therefore, this variant is classified as a Variant of Uncertain Significance.

This study involves interpretation of variants in research participants for the purpose of population health screening. Participant phenotype was not available at the time of variant classification. Additional details can be found in publication PMID: 35346344, PMCID: PMC8962531

Labcorp Genetics (formerly Invitae), Labcorp
Classification: Uncertain significance for Retinoblastoma. Last evaluated: 2023-04-09. Review status: criteria provided, single submitter. Criteria: Invitae Variant Classification Sherloc (09022015). Collection method: clinical testing. Allele origin: germline.
Comment: In summary, the available evidence is currently insufficient to determine the role of this variant in disease. Therefore, it has been classified as a Variant of Uncertain Significance. Advanced modeling of protein sequence and biophysical properties (such as structural, functional, and spatial information, amino acid conservation, physicochemical variation, residue mobility, and thermodynamic stability) performed at Invitae indicates that this missense variant is not expected to disrupt RB1 protein function. ClinVar contains an entry for this variant (Variation ID: 2123747). This variant has not been reported in the literature in individuals affected with RB1-related conditions. This variant is not present in population databases (gnomAD no frequency). This sequence change replaces alanine, which is neutral and non-polar, with threonine, which is neutral and polar, at codon 59 of the RB1 protein (p.Ala59Thr).